The following is an entry in ClinVar:

NM_001164508.2(NEB):c.2062C>G (p.Pro688Ala)

Gene: NEB (nebulin; minus strand). Cytogenetic location: 2q23.3.
Variant type: single nucleotide variant.
Coding change: c.2062C>G on transcript NM_001164508.2 (MANE Select); coding-DNA position 2062, C replaced by G.
Protein change: p.Pro688Ala; replaces proline 688 with alanine.
Molecular consequence: missense variant.
Genome position (GRCh38, 1-based): chr2:151,692,103, G>C on the plus strand (C>G on the coding strand, the complement: NEB is on the minus strand). VCF-style: chr2-151692103-G-C. GRCh37 (hg19) VCF-style: chr2-152548617-G-C.
Other names: p.Pro688Ala; c.2062C>G (NM_004543.4); c.2062C>G, p.Pro688Ala (NM_001164507.2, NM_001271208.2, NM_004543.5); short protein forms P688A.
Identifiers: ClinVar variation 576848 (VCV000576848.16), dbSNP rs750276279, ClinGen allele CA1911347.
Genomic context (GRCh38, chr2:151,692,103, plus strand): 5'-TTGTCTTCAAACTTACATCACTGTTTTGAGCTGCAACTTTCATGCAGTGTGTGTGATATG[G>C]GTCCTCCATGCTGCCTACATAATGTCCCAAAACATCCTTTACATATAAGTCTTTATATCT-3'
Protein context (NP_001157980.2, residues 678-698): LGHYVGSMED[Pro688Ala]YHTHCMKVAA

ClinVar aggregate classification (germline): Conflicting classifications of pathogenicity. Review status: criteria provided, conflicting classifications (1 of 4 stars). 5 submissions from 5 submitters: Uncertain significance (3); Likely benign (1). 1 of the submissions does not count toward it. Last evaluated 2025-12-24.

Conditions:
Inborn genetic diseases. Identifiers: MedGen C0950123, MeSH D030342.
Nemaline myopathy 2 (NEM2). Also called: Nemaline myopathy 2, autosomal recessive. Identifiers: MedGen C1850569, MONDO:0009725, OMIM 256030.

Allele frequency attached by ClinVar (database versions not stated): TOPMed 0.00002.
gnomAD v4.1: 18 of 1,613,856 alleles (0.0011%); highest among the groups gnomAD compares: Admixed American, 0.03%; no homozygotes.

Submissions (5):

Labcorp Genetics (formerly Invitae), Labcorp
Classification: Likely benign for Nemaline myopathy 2. Last evaluated: 2025-12-24. Review status: criteria provided, single submitter. Criteria: Invitae Variant Classification Sherloc (09022015). Collection method: clinical testing. Allele origin: germline.

Ambry Genetics
Classification: Uncertain significance for Inborn genetic diseases. Last evaluated: 2025-04-04. Review status: criteria provided, single submitter. Criteria: Ambry Variant Classification Scheme 2023. Collection method: clinical testing. Allele origin: germline.

Mayo Clinic Laboratories, Mayo Clinic
Classification: Uncertain significance. Last evaluated: 2025-02-23. Review status: criteria provided, single submitter. Criteria: ACMG Guidelines, 2015. Collection method: clinical testing. Allele origin: germline. Observed: 1 variant allele.
Comment: BP4

GeneDx
Classification: Uncertain significance. Last evaluated: 2024-06-03. Review status: criteria provided, single submitter. Criteria: GeneDx Variant Classification Process June 2021. Collection method: clinical testing. Allele origin: germline. Affected: yes.
Comment: In silico analysis supports that this missense variant has a deleterious effect on protein structure/function; Has not been previously published as pathogenic or benign to our knowledge

Natera, Inc.
Classification: Uncertain significance for Nemaline myopathy type 2. Last evaluated: 2019-11-11. Review status: no assertion criteria provided. Collection method: clinical testing. Allele origin: germline. Not counted in ClinVar's aggregate classification.